The following is an entry in ClinVar:

NM_212552.3(BOLA3):c.163A>G (p.Ile55Val)

Gene: BOLA3 (bolA family member 3; minus strand). Cytogenetic location: 2p13.1.
Variant type: single nucleotide variant.
Coding change: c.163A>G on transcript NM_212552.3 (MANE Select); coding-DNA position 163, A replaced by G.
Protein change: p.Ile55Val; replaces isoleucine 55 with valine.
Molecular consequence: missense variant.
Genome position (GRCh38, 1-based): chr2:74,145,195, T>C on the plus strand (A>G on the coding strand, the complement: BOLA3 is on the minus strand). VCF-style: chr2-74145195-T-C. GRCh37 (hg19) VCF-style: chr2-74372322-T-C.
Other names: c.163A>G, p.Ile55Val (NM_001035505.2); short protein forms I55V.
Identifiers: ClinVar variation 3362017 (VCV003362017.2).
Genomic context (GRCh38, chr2:74,145,195, plus strand): 5'-TCCAAAGGGCAAAATCTTATCCAAGCGCCGTAGGAAGAGTGAGAGAAACCTTACCTGAAA[T>C]GTCAGTGACTTTTATAGCTGTAGCTCGTGGAAACTTTTCTTTGAGAATTTGGGTCACTCT-3'
Protein context (NP_997717.2, residues 45-65): PRATAIKVTD[Ile55Val]SGGCGAMYEI

ClinVar aggregate classification (germline): Uncertain significance. Review status: criteria provided, multiple submitters, no conflicts (2 of 4 stars). 2 submissions from 2 submitters: Uncertain significance (2). Last evaluated 2024-10-07.

Conditions:
Inborn genetic diseases. Identifiers: MedGen C0950123, MeSH D030342.

gnomAD v4.1: 22 of 1,564,922 alleles (0.0014%); highest among the groups gnomAD compares: Non-Finnish European, 0.0018%; no homozygotes.

Submissions (2):

Ambry Genetics
Classification: Uncertain significance for Inborn genetic diseases. Last evaluated: 2024-10-07. Review status: criteria provided, single submitter. Criteria: Ambry Variant Classification Scheme 2023. Collection method: clinical testing. Allele origin: germline.

GeneDx
Classification: Uncertain significance. Last evaluated: 2023-05-30. Review status: criteria provided, single submitter. Criteria: GeneDx Variant Classification Process June 2021. Collection method: clinical testing. Allele origin: germline. Affected: yes.
Comment: Not observed at significant frequency in large population cohorts (gnomAD); In silico analysis supports that this missense variant does not alter protein structure/function; Has not been previously published as pathogenic or benign to our knowledge